The following is an entry in ClinVar:

ClinVar aggregate classification (germline): Uncertain significance. Review status: criteria provided, single submitter (1 of 4 stars). 2 submissions from 2 submitters: Uncertain significance (1). 1 of the submissions does not count toward it. Last evaluated 2021-08-24.

Conditions:
Oculofaciocardiodental syndrome (MCOPS2). Identifiers: Orphanet 2712, MedGen C1846265, MONDO:0010261, OMIM 300166.

Allele frequency attached by ClinVar (database versions not stated): gnomAD exomes 0.00004; ExAC 0.00006; gnomAD 0.00006; TOPMed 0.00007; ESP Exome Variant Server 0.00019.
gnomAD v4.1: 48 of 1,203,513 alleles (0.004%); highest among the groups gnomAD compares: African/African-American, 0.014%; no homozygotes.

Submissions (2):

Labcorp Genetics (formerly Invitae), Labcorp
Classification: Uncertain significance for Oculofaciocardiodental syndrome. Last evaluated: 2021-08-24. Review status: criteria provided, single submitter. Criteria: Invitae Variant Classification Sherloc (09022015). Collection method: clinical testing. Allele origin: germline.
Comment: This sequence change replaces arginine with histidine at codon 1555 of the BCOR protein (p.Arg1555His). The arginine residue is highly conserved and there is a small physicochemical difference between arginine and histidine. This variant is present in population databases (rs367859441, ExAC 0.03%). This variant has not been reported in the literature in individuals affected with BCOR-related conditions. ClinVar contains an entry for this variant (Variation ID: 133690). Algorithms developed to predict the effect of missense changes on protein structure and function are either unavailable or do not agree on the potential impact of this missense change (SIFT: "Deleterious"; PolyPhen-2: "Benign"; Align-GVGD: "Class C25"). In summary, the available evidence is currently insufficient to determine the role of this variant in disease. Therefore, it has been classified as a Variant of Uncertain Significance.

ITMI
No classification provided. Condition: AllHighlyPenetrant. Last evaluated: 2013-09-19. Review status: no classification provided. Collection method: reference population. Allele origin: germline. Not counted in ClinVar's aggregate classification.
Comment: Please see associated publication for description of ethnicities

Literature cited by the submitters: PubMed 24728327 (cited by ITMI).

NM_001123385.2(BCOR):c.4766G>A (p.Arg1589His)

Gene: BCOR (BCL6 corepressor; minus strand). Cytogenetic location: Xp11.4.
Variant type: single nucleotide variant.
Coding change: c.4766G>A on transcript NM_001123385.2 (MANE Select); coding-DNA position 4766, G replaced by A.
Protein change: p.Arg1589His; replaces arginine 1589 with histidine.
Molecular consequence: missense variant.
Genome position (GRCh38, 1-based): chrX:40,054,309, C>T on the plus strand (G>A on the coding strand, the complement: BCOR is on the minus strand). VCF-style: chrX-40054309-C-T. GRCh37 (hg19) VCF-style: chrX-39913562-C-T.
Other names: c.4664G>A, p.Arg1555His (NM_001123383.2, NM_017745.6); c.4610G>A, p.Arg1537His (NM_001123384.2); short protein forms R1555H, R1589H, R1537H.
Identifiers: ClinVar variation 133690 (VCV000133690.7), dbSNP rs367859441, ClinGen allele CA157348.